The following is an entry in ClinVar:

NM_003611.3(OFD1):c.828+1031T>A

Gene: OFD1 (OFD1 centriole and centriolar satellite protein; plus strand). Cytogenetic location: Xp22.2.
Variant type: single nucleotide variant.
Coding change: c.828+1031T>A on transcript NM_003611.3 (MANE Select); 1031 bases into the intron after coding-DNA position 828, T replaced by A.
Molecular consequence: intron variant.
Genome position (GRCh38, 1-based): chrX:13,747,984, T>A. VCF-style: chrX-13747984-T-A. GRCh37 (hg19) VCF-style: chrX-13766103-T-A.
Other names: c.408+1031T>A (NM_001330210.2); c.828+1031T>A (NM_001330209.2).
Identifiers: ClinVar variation 3076160 (VCV003076160.1), dbSNP rs7064913, ClinGen allele CA326112816.

ClinVar aggregate classification (germline): Uncertain significance (1 of 4 stars; one submission).

Conditions:
Primary ciliary dyskinesia. Also called: Ciliary dyskinesia. Identifiers: Orphanet 244, MedGen C0008780, MONDO:0016575, HP:0012265.

Allele frequency attached by ClinVar (database versions not stated): 1000 Genomes Project 0.00662; 1000 Genomes Project 30x 0.00687; gnomAD 0.00860; TOPMed 0.00967.

Submission:

Ambry Genetics
Classification: Uncertain significance for Primary ciliary dyskinesia. Last evaluated: 2015-10-28. Review status: criteria provided, single submitter. Criteria: Ambry Variant Classification Scheme 2023. Collection method: clinical testing. Allele origin: germline.
Comment: The c.828+1031T>A intronic alteration consists of a T to A substitution 031 nucleotides after coding exon 8 in the OFD1 gene. Based on insufficient or conflicting evidence, the clinical significance of this alteration remains unclear.